The following is an entry in ClinVar:

NM_058216.3(RAD51C):c.404+13G>A

Gene: RAD51C (RAD51 paralog C; plus strand). Cytogenetic location: 17q22.
Variant type: single nucleotide variant.
Coding change: c.404+13G>A on transcript NM_058216.3 (MANE Select); 13 bases into the intron after coding-DNA position 404, G replaced by A.
Molecular consequence: intron variant. On other transcripts: 3 prime UTR variant (1), non-coding transcript variant (1).
Genome position (GRCh38, 1-based): chr17:58,695,202, G>A. VCF-style: chr17-58695202-G-A. GRCh37 (hg19) VCF-style: chr17-56772563-G-A.
Other names: c.*9G>A (NM_002876.4).
Identifiers: ClinVar variation 380341 (VCV000380341.14), dbSNP rs547506164, ClinGen allele CA8677210.

ClinVar aggregate classification (germline): Conflicting classifications of pathogenicity. Review status: criteria provided, conflicting classifications (1 of 4 stars). 5 submissions from 4 submitters: Uncertain significance (2); Benign (1); Likely benign (2). Last evaluated 2026-01-06.

Conditions:
Hereditary cancer-predisposing syndrome. Also called: Hereditary neoplastic syndrome; Tumor predisposition; Neoplastic Syndromes, Hereditary; Hereditary Cancer Syndrome. Identifiers: Orphanet 140162, MedGen C0027672, MeSH D009386, MONDO:0015356.
Breast-ovarian cancer, familial, susceptibility to, 3. Also called: RAD51C-Related Breast/Ovarian Cancer. Identifiers: Orphanet 145, MedGen C3150659, MONDO:0013253, OMIM 613399.
Fanconi anemia complementation group O. Also called: RAD51C-Related Fanconi Anemia. Identifiers: Orphanet 84, MedGen C3150653, MONDO:0013248, OMIM 613390.

Allele frequency attached by ClinVar (database versions not stated): gnomAD below 0.00001 and 0.00005; TOPMed 0.00001; gnomAD exomes 0.00005 and 0.00009; ExAC 0.00011; 1000 Genomes Project 0.00020; 1000 Genomes Project 30x 0.00031.

Submissions (5):

Labcorp Genetics (formerly Invitae), Labcorp
Classification: Likely benign for Fanconi anemia complementation group O. Last evaluated: 2026-01-06. Review status: criteria provided, single submitter. Criteria: Invitae Variant Classification Sherloc (09022015). Collection method: clinical testing. Allele origin: germline.

Color Diagnostics, LLC DBA Color Health
Classification: Likely benign for Hereditary cancer-predisposing syndrome. Last evaluated: 2018-02-01. Review status: criteria provided, single submitter. Criteria: ACMG Guidelines, 2015. Collection method: clinical testing. Allele origin: germline.

Illumina Laboratory Services, Illumina
Classification: Uncertain significance for Fanconi anemia complementation group O. Last evaluated: 2018-01-13. Review status: criteria provided, single submitter. Criteria: ICSL Variant Classification Criteria 13 December 2019. Collection method: clinical testing. Allele origin: germline.

Illumina Laboratory Services, Illumina
Classification: Uncertain significance for Breast-ovarian cancer, familial, susceptibility to, 3. Last evaluated: 2018-01-13. Review status: criteria provided, single submitter. Criteria: ICSL Variant Classification Criteria 13 December 2019. Collection method: clinical testing. Allele origin: germline.

GeneDx
Classification: Benign. Last evaluated: 2015-08-26. Review status: criteria provided, single submitter. Criteria: GeneDx Variant Classification (06012015). Collection method: clinical testing. Allele origin: germline. Affected: yes.
Comment: This variant is considered likely benign or benign based on one or more of the following criteria: it is a conservative change, it occurs at a poorly conserved position in the protein, it is predicted to be benign by multiple in silico algorithms, and/or has population frequency not consistent with disease.